The following is an entry in ClinVar:

ClinVar aggregate classification (germline): Likely pathogenic (1 of 4 stars; one submission).

Conditions:
MHC class I deficiency 2. Identifiers: MedGen C5935617, MONDO:0971011, OMIM 620813.

Submission:

Juno Genomics, Hangzhou Juno Genomics, Inc
Classification: Likely pathogenic for MHC class I deficiency 2. Review status: criteria provided, single submitter. Criteria: ACMG Guidelines, 2015. Collection method: clinical testing. Allele origin: germline. Affected: yes.
Comment: Absent from controls (or at extremely low frequency if recessive) in Genome Aggregation Database, Exome Sequencing Project, 1000 Genomes Project, or Exome Aggregation Consortium.;Null variant in a gene where loss of function (LOF) is a known mechanism of disease.

NM_001290043.2(TAP2):c.494-1G>A

Genes: TAP2 (transporter 2, ATP binding cassette subfamily B member; minus strand), LOC107648851 (meiotic recombination hotspot TAP2; plus strand). Cytogenetic location: 6p21.32.
Variant type: single nucleotide variant.
Coding change: c.494-1G>A on transcript NM_001290043.2 (MANE Select); the canonical splice acceptor site of the intron before coding-DNA position 494, G replaced by A.
Molecular consequence: splice acceptor variant.
Genome position (GRCh38, 1-based): chr6:32,837,652, C>T on the plus strand (G>A on the coding strand, the complement: TAP2 is on the minus strand). VCF-style: chr6-32837652-C-T. GRCh37 (hg19) VCF-style: chr6-32805429-C-T.
Other names: c.494-1G>A (NM_018833.3).
Identifiers: ClinVar variation 3899339 (VCV003899339.2).
Genomic context (GRCh38, chr6:32,837,652, plus strand): 5'-CAAAATCACCTCCCAGGATGTCAATCACACGACCAGAATAGTGAGGGATTAATGTCTCAC[C>T]TGAAAGAGGCATGAAAAATAACACAAGAATGTGCTGGTGCCCAGGCCCTTTTACCACCTC-3'